The following is an entry in ClinVar:

NM_004614.5(TK2):c.133C>T (p.Gln45Ter)

Gene: TK2 (thymidine kinase 2; minus strand). Cytogenetic location: 16q21.
Variant type: single nucleotide variant.
Coding change: c.133C>T on transcript NM_004614.5 (MANE Select); coding-DNA position 133, C replaced by T.
Protein change: p.Gln45Ter; replaces glutamine 45 with a stop codon.
Molecular consequence: nonsense. On other transcripts: 5 prime UTR variant (2), non-coding transcript variant (1).
Genome position (GRCh38, 1-based): chr16:66,549,001, G>A on the plus strand (C>T on the coding strand, the complement: TK2 is on the minus strand). VCF-style: chr16-66549001-G-A. GRCh37 (hg19) VCF-style: chr16-66582904-G-A.
Other names: c.40C>T, p.Gln14Ter (NM_001172643.1, NM_001271935.1); c.133C>T, p.Gln45Ter (NM_001172644.2, NM_001172645.2); c.-110C>T (NM_001271934.2); c.-159C>T (NM_001272050.2); short protein forms Q45*, Q14*.
Identifiers: ClinVar variation 38974 (VCV000038974.14), dbSNP rs281865486, ClinGen allele CA343286.
Genomic context (GRCh38, chr16:66,549,001, plus strand): 5'-AATTATCCTAGAGAGTACACATAAAAGAGGGACTTACCACTGATTTTTTCTCTTTTTCCT[G>A]TTCTTTATCTACAAAAGAAAGGAAATCAGTTTTTAAACTCACTTTTAAATAACTCTCCTC-3'

ClinVar aggregate classification (germline): Pathogenic. Review status: criteria provided, multiple submitters, no conflicts (2 of 4 stars). 4 submissions from 4 submitters: Pathogenic (4). Last evaluated 2026-01-21.

Conditions:
Progressive external ophthalmoplegia with mitochondrial DNA deletions, autosomal recessive 3 (PEOB3). Also called: PROGRESSIVE EXTERNAL OPHTHALMOPLEGIA, AUTOSOMAL RECESSIVE 3. Identifiers: Orphanet 254886, MedGen C4310734, MONDO:0014898, OMIM 617069.
Mitochondrial DNA depletion syndrome, myopathic form (MTDPS2). Also called: MITOCHONDRIAL DNA DEPLETION MYOPATHY, TK2-RELATED; MITOCHONDRIAL DNA DEPLETION SYNDROME 2 (MYOPATHIC TYPE); TK2-Related Mitochondrial DNA Maintenance Defect, Myopathic Form. Identifiers: Orphanet 254875, MedGen C3149750, MONDO:0012301, OMIM 609560.
Mitochondrial disease. Also called: Mitochondrial disorder; Mitochondrial disorders. Identifiers: Orphanet 68380, MedGen C0751651, MeSH D028361, MONDO:0044970.

Allele frequency attached by ClinVar (database versions not stated): gnomAD exomes below 0.00001 and 0.00001; gnomAD 0.00001; TOPMed 0.00001.

Submissions (4):

Labcorp Genetics (formerly Invitae), Labcorp
Classification: Pathogenic. Last evaluated: 2026-01-21. Review status: criteria provided, single submitter. Criteria: Invitae Variant Classification Sherloc (09022015). Collection method: clinical testing. Allele origin: germline.
Comment: This sequence change creates a premature translational stop signal (p.Gln45*) in the TK2 gene. It is expected to result in an absent or disrupted protein product. Loss-of-function variants in TK2 are known to be pathogenic (PMID: 20421844). This variant is present in population databases (rs281865486, gnomAD 0.002%). This premature translational stop signal has been observed in individual(s) with mitochondrial DNA depletion myopathy (PMID: 18508266). ClinVar contains an entry for this variant (Variation ID: 38974). Algorithms developed to predict the effect of sequence changes on RNA splicing suggest that this variant may disrupt the consensus splice site. For these reasons, this variant has been classified as Pathogenic.

Genomenon, Inc
Classification: Pathogenic for Mitochondrial disease. Last evaluated: 2025-11-24. Review status: criteria provided, single submitter. Criteria: Genomenon Sequence Variant Interpretation Standards - Updated. Collection method: curation. Allele origin: germline. Affected: yes.
Comment: TK2 p.Gln45Ter (c.133C>T) is a nonsense variant that introduces a premature stop codon at amino acid position 45, creating a truncated protein which is predicted to have a deleterious effect on TK2 gene function. It is also described as Gln87* and Q87X in the literature. This variant has been observed in a proband affected with mitochondrial disease in the compound heterozygous state (18508266). This variant is not present at a significant frequency in gnomAD. In conclusion, we classify TK2 p.Gln45Ter (c.133C>T) as a pathogenic variant.

Fulgent Genetics
Classification: Pathogenic for Mitochondrial DNA depletion syndrome, myopathic form; Progressive external ophthalmoplegia with mitochondrial DNA deletions, autosomal recessive 3. Last evaluated: 2024-05-02. Review status: criteria provided, single submitter. Criteria: ACMG Guidelines, 2015. Collection method: clinical testing. Allele origin: germline.

GeneDx
Classification: Pathogenic. Last evaluated: 2022-10-11. Review status: criteria provided, single submitter. Criteria: GeneDx Variant Classification Process June 2021. Collection method: clinical testing. Allele origin: germline. Affected: yes.
Comment: Nonsense variant predicted to result in protein truncation or nonsense mediated decay in a gene for which loss of function is a known mechanism of disease; Not observed at significant frequency in large population cohorts (gnomAD); This variant is associated with the following publications: (PMID: 25525159, 18508266, 29602790)

Literature cited by the submitters: PubMed 20421844 (cited by Labcorp Genetics (formerly Invitae), Labcorp); PubMed 18508266 (cited by Labcorp Genetics (formerly Invitae), Labcorp and Genomenon, Inc).